The following is an entry in ClinVar:

ClinVar aggregate classification (germline): Pathogenic. Review status: criteria provided, multiple submitters, no conflicts (2 of 4 stars). 2 submissions from 2 submitters: Pathogenic (2). Last evaluated 2024-11-25.

Conditions:
Familial hypokalemia-hypomagnesemia (GTLMNS). Also called: HYPOMAGNESEMIA-HYPOKALEMIA, PRIMARY RENOTUBULAR, WITH HYPOCALCIURIA; POTASSIUM AND MAGNESIUM DEPLETION; gitelman syndrome. Identifiers: Orphanet 358, MedGen C0268450, MONDO:0009904, OMIM 263800.

Submissions (2):

3billion
Classification: Pathogenic for Familial hypokalemia-hypomagnesemia. Last evaluated: 2024-11-25. Review status: criteria provided, single submitter. Criteria: ACMG Guidelines, 2015. Collection method: clinical testing. Allele origin: germline. Affected: yes.
Comment: The variant is not observed in the gnomAD v4.1.0 dataset. Predicted Consequence/Location: Frameshift: predicted to result in a loss or disruption of normal protein function through nonsense-mediated decay (NMD) or protein truncation. Multiple pathogenic variants are reported downstream of the variant. The variant has been reported to be associated with SLC12A3 related disorder (PMID: 27216017). Therefore, this variant is classified as Pathogenic according to the recommendation of ACMG/AMP guideline.

Juno Genomics, Hangzhou Juno Genomics, Inc
Classification: Pathogenic for Familial hypokalemia-hypomagnesemia. Review status: criteria provided, single submitter. Criteria: ACMG Guidelines, 2015. Collection method: clinical testing. Allele origin: germline. Affected: yes.
Comment: Absent from controls (or at extremely low frequency if recessive) in Genome Aggregation Database, Exome Sequencing Project, 1000 Genomes Project, or Exome Aggregation Consortium.;Null variant in a gene where loss of function (LOF) is a known mechanism of disease.;For recessive disorders, detected in trans with a pathogenic variant.;Patient's phenotype or family history is highly specific for a disease with a single genetic etiology.

Literature cited by the submitters: PubMed 27216017 (cited by 3billion).

NM_001126108.2(SLC12A3):c.1992del (p.Phe665fs)

Gene: SLC12A3 (solute carrier family 12 member 3; plus strand). Cytogenetic location: 16q13.
Variant type: Deletion.
Coding change: c.1992del on transcript NM_001126108.2 (MANE Select); coding-DNA position 1992, one base deleted (C; older notation c.1992delC).
Protein change: p.Phe665fs; shifts the reading frame from phenylalanine 665.
Molecular consequence: frameshift variant.
Genome position (GRCh38, 1-based): chr16:56,886,430, C deleted; the last of 2 consecutive C bases (chr16:56,886,429-56,886,430); deleting either gives the same sequence. VCF-style (leftmost placement, unchanged base first): chr16-56886428-AC-A. GRCh37 (hg19) VCF-style: chr16-56920340-AC-A.
Other names: c.1992del, p.Phe665fs (NM_000339.3); c.1989del, p.Phe664fs (NM_001126107.2, NM_001410896.1); short protein forms F664fs, F665fs.
Identifiers: ClinVar variation 3382297 (VCV003382297.3).